The following is an entry in ClinVar:

ClinVar aggregate classification (germline): Conflicting classifications of pathogenicity. Review status: criteria provided, conflicting classifications (1 of 4 stars). 6 submissions from 6 submitters: Uncertain significance (4); Likely benign (2). Last evaluated 2025-12-29.

Conditions:
Renal cell carcinoma. Identifiers: Orphanet 217071, MedGen C0007134, MeSH D002292, MONDO:0005086, HP:0005584.
Hereditary cancer-predisposing syndrome. Also called: Tumor predisposition; Hereditary neoplastic syndrome; Neoplastic Syndromes, Hereditary; Hereditary Cancer Syndrome. Identifiers: Orphanet 140162, MedGen C0027672, MeSH D009386, MONDO:0015356.
Autosomal recessive nonsyndromic hearing loss 97. Also called: Deafness, autosomal recessive 97. Identifiers: Orphanet 90636, MedGen C4084709, MONDO:0014739, OMIM 616705.
Papillary renal cell carcinoma type 1 (RCCP1). Also called: RENAL CELL CARCINOMA, PAPILLARY, 1, SOMATIC; Renal adenocarcinoma; Renal cell carcinoma 1; Renal cell carcinoma, somatic. Identifiers: Orphanet 47044, MedGen C1336839, OMIM 605074, HP:0011797.

Allele frequency attached by ClinVar (database versions not stated): gnomAD 0.00001; TOPMed 0.00002; ExAC 0.00003.
gnomAD v4.1: 41 of 1,613,976 alleles (0.0025%); highest among the groups gnomAD compares: East Asian, 0.031%; no homozygotes.

Submissions (6):

Center for Genomic Medicine, Rigshospitalet, Copenhagen University Hospital
Classification: Uncertain significance. Last evaluated: 2025-12-29. Review status: criteria provided, single submitter. Criteria: ACMG Guidelines, 2015. Collection method: clinical testing. Allele origin: germline.

Labcorp Genetics (formerly Invitae), Labcorp
Classification: Uncertain significance for Renal cell carcinoma. Last evaluated: 2025-06-29. Review status: criteria provided, single submitter. Criteria: Invitae Variant Classification Sherloc (09022015). Collection method: clinical testing. Allele origin: germline.
Comment: This sequence change replaces threonine, which is neutral and polar, with methionine, which is neutral and non-polar, at codon 230 of the MET protein (p.Thr230Met). This variant is present in population databases (rs587780740, gnomAD 0.04%). This variant has not been reported in the literature in individuals affected with MET-related conditions. ClinVar contains an entry for this variant (Variation ID: 135975). Invitae Evidence Modeling of protein sequence and biophysical properties (such as structural, functional, and spatial information, amino acid conservation, physicochemical variation, residue mobility, and thermodynamic stability) indicates that this missense variant is not expected to disrupt MET protein function with a negative predictive value of 80%. In summary, the available evidence is currently insufficient to determine the role of this variant in disease. Therefore, it has been classified as a Variant of Uncertain Significance.

Baylor Genetics
Classification: Uncertain significance for Autosomal recessive nonsyndromic hearing loss 97. Last evaluated: 2023-08-22. Review status: criteria provided, single submitter. Criteria: ACMG Guidelines, 2015. Collection method: clinical testing. Allele origin: unknown.

Ambry Genetics
Classification: Likely benign for Hereditary cancer-predisposing syndrome. Last evaluated: 2022-12-16. Review status: criteria provided, single submitter. Criteria: Ambry Variant Classification Scheme 2023. Collection method: clinical testing. Allele origin: germline.

GeneDx
Classification: Uncertain significance. Last evaluated: 2019-06-28. Review status: criteria provided, single submitter. Criteria: GeneDx Variant Classification Process June 2021. Collection method: clinical testing. Allele origin: germline. Affected: yes.
Comment: Has not been previously published as pathogenic or benign to our knowledge

Illumina Laboratory Services, Illumina
Classification: Likely benign for Papillary renal cell carcinoma type 1. Last evaluated: 2017-04-28. Review status: criteria provided, single submitter. Criteria: ICSL Variant Classification Criteria 13 December 2019. Collection method: clinical testing. Allele origin: germline.
Comment: This variant was observed as part of a predisposition screen in an ostensibly healthy population. A literature search was performed for the gene, cDNA change, and amino acid change (where applicable). Publications were found based on this search. The evidence from the literature, in combination with allele frequency data from public databases where available, was sufficient to determine this variant is unlikely to cause disease. Therefore, this variant is classified as likely benign.

Literature cited by the submitters: PubMed 19318576 (cited by Illumina Laboratory Services, Illumina).

NM_000245.4(MET):c.689C>T (p.Thr230Met)

Gene: MET (MET proto-oncogene, receptor tyrosine kinase; plus strand). Cytogenetic location: 7q31.2.
Variant type: single nucleotide variant.
Coding change: c.689C>T on transcript NM_000245.4 (MANE Select); coding-DNA position 689, C replaced by T.
Protein change: p.Thr230Met; replaces threonine 230 with methionine.
Molecular consequence: missense variant. On other transcripts: intron variant (1).
Genome position (GRCh38, 1-based): chr7:116,699,773, C>T. VCF-style: chr7-116699773-C-T. GRCh37 (hg19) VCF-style: chr7-116339827-C-T.
Other names: c.689C>T, p.Thr230Met (NM_001127500.3, NM_001324401.3); c.-91+27196C>T (NM_001324402.2); short protein forms T230M.
Identifiers: ClinVar variation 135975 (VCV000135975.23), dbSNP rs587780740, ClinGen allele CA332692.